The following is an entry in ClinVar:

NM_006767.4(LZTR1):c.1943-302C>G

Gene: LZTR1 (leucine zipper like post translational regulator 1; plus strand). Cytogenetic location: 22q11.21.
Variant type: single nucleotide variant.
Coding change: c.1943-302C>G on transcript NM_006767.4 (MANE Select); 302 bases into the intron before coding-DNA position 1943, C replaced by G.
Molecular consequence: intron variant.
Genome position (GRCh38, 1-based): chr22:20,995,444, C>G. VCF-style: chr22-20995444-C-G. GRCh37 (hg19) VCF-style: chr22-21349733-C-G.
Identifiers: ClinVar variation 3238174 (VCV003238174.3), dbSNP rs1052413975.

ClinVar aggregate classification (germline): Uncertain significance (1 of 4 stars; one submission).

Conditions:
Hereditary cancer-predisposing syndrome. Also called: Neoplastic Syndromes, Hereditary; Tumor predisposition; Hereditary neoplastic syndrome; Hereditary Cancer Syndrome. Identifiers: Orphanet 140162, MedGen C0027672, MeSH D009386, MONDO:0015356.
Cardiovascular phenotype. Identifiers: MedGen CN230736.

Allele frequency attached by ClinVar (database versions not stated): TOPMed below 0.00001.

Submission:

Ambry Genetics
Classification: Uncertain significance for Cardiovascular phenotype; Hereditary cancer-predisposing syndrome. Last evaluated: 2025-10-15. Review status: criteria provided, single submitter. Criteria: Ambry Variant Classification Scheme 2023. Collection method: clinical testing. Allele origin: germline.
Comment: The c.1943-302C>G intronic variant results from a C to G substitution 302 nucleotides upstream from coding exon 17 in the LZTR1 gene. This nucleotide position is not well conserved in available vertebrate species. In silico splice site analysis predicts that this alteration will not have any significant effect on splicing. However, RNA studies have demonstrated that this alteration results in a splice defect, although the clinical impact of this abnormal splicing is unknown at this time (Ambry internal data). Based on the available evidence, the clinical significance of this variant remains unclear.